The following is an entry in ClinVar:

ClinVar aggregate classification (germline): Uncertain significance (1 of 4 stars; one submission).

Conditions:
Multiple endocrine neoplasia, type 2 (MEN2). Identifiers: Orphanet 653, MedGen C4048306, MONDO:0019003. Disease mechanism: gain of function.

Submission:

Labcorp Genetics (formerly Invitae), Labcorp
Classification: Uncertain significance for Multiple endocrine neoplasia, type 2. Last evaluated: 2024-07-17. Review status: criteria provided, single submitter. Criteria: Invitae Variant Classification Sherloc (09022015). Collection method: clinical testing. Allele origin: germline.
Comment: This sequence change replaces threonine, which is neutral and polar, with arginine, which is basic and polar, at codon 930 of the RET protein (p.Thr930Arg). This variant is not present in population databases (gnomAD no frequency). This variant has not been reported in the literature in individuals affected with RET-related conditions. An algorithm developed to predict the effect of missense changes on protein structure and function (PolyPhen-2) suggests that this variant is likely to be disruptive. In summary, the available evidence is currently insufficient to determine the role of this variant in disease. Therefore, it has been classified as a Variant of Uncertain Significance.

NM_020975.6(RET):c.2789C>G (p.Thr930Arg)

Gene: RET (ret proto-oncogene; plus strand). Cytogenetic location: 10q11.21.
Variant type: single nucleotide variant.
Coding change: c.2789C>G on transcript NM_020975.6 (MANE Select); coding-DNA position 2789, C replaced by G.
Protein change: p.Thr930Arg; replaces threonine 930 with arginine.
Molecular consequence: missense variant.
Genome position (GRCh38, 1-based): chr10:43,122,004, C>G. VCF-style: chr10-43122004-C-G. GRCh37 (hg19) VCF-style: chr10-43617452-C-G.
Other names: c.2063C>G, p.Thr688Arg (NM_001406775.1, NM_001406776.1, NM_001406777.1 and 1 more transcripts); c.1892C>G, p.Thr631Arg (NM_001406779.1, NM_001406780.1, NM_001406781.1 and 1 more transcripts); c.1763C>G, p.Thr588Arg (NM_001406783.1, NM_001406786.1); c.1340C>G, p.Thr447Arg (NM_001406794.1, NM_001406792.1, NM_001406793.1); c.2789C>G, p.Thr930Arg (NM_020630.7, NM_001406744.1, NM_001406759.1 and 2 more transcripts); c.2660C>G, p.Thr887Arg (NM_001406761.1, NM_001406762.1, NM_001406764.1); c.2654C>G, p.Thr885Arg (NM_001406763.1, NM_001406765.1); c.2501C>G, p.Thr834Arg (NM_001406766.1, NM_001406767.1, NM_001406770.1); and 10 more; short protein forms T591R, T842R, T586R, T600R, T688R, T784R, T798R, T887R.
Identifiers: ClinVar variation 3659758 (VCV003659758.2).